The following is an entry in ClinVar:

ClinVar aggregate classification (germline): Uncertain significance (1 of 4 stars; one submission).

Conditions:
Chédiak-Higashi syndrome (CHS). Also called: Chediak-Higashi Syndrome. Identifiers: Orphanet 167, MedGen C0007965, MONDO:0008963, OMIM 214500.

Submission:

Labcorp Genetics (formerly Invitae), Labcorp
Classification: Uncertain significance for Chédiak-Higashi syndrome. Last evaluated: 2025-10-08. Review status: criteria provided, single submitter. Criteria: Invitae Variant Classification Sherloc (09022015). Collection method: clinical testing. Allele origin: germline.
Comment: This sequence change replaces serine, which is neutral and polar, with glycine, which is neutral and non-polar, at codon 1489 of the LYST protein (p.Ser1489Gly). This variant is not present in population databases (gnomAD no frequency). This variant has not been reported in the literature in individuals affected with LYST-related conditions. Invitae Evidence Modeling of protein sequence and biophysical properties (such as structural, functional, and spatial information, amino acid conservation, physicochemical variation, residue mobility, and thermodynamic stability) indicates that this missense variant is not expected to disrupt LYST protein function with a negative predictive value of 80%. In summary, the available evidence is currently insufficient to determine the role of this variant in disease. Therefore, it has been classified as a Variant of Uncertain Significance.

NM_000081.4(LYST):c.4465A>G (p.Ser1489Gly)

Gene: LYST (lysosomal trafficking regulator; minus strand). Cytogenetic location: 1q42.3.
Variant type: single nucleotide variant.
Coding change: c.4465A>G on transcript NM_000081.4 (MANE Select); coding-DNA position 4465, A replaced by G.
Protein change: p.Ser1489Gly; replaces serine 1489 with glycine.
Molecular consequence: missense variant.
Genome position (GRCh38, 1-based): chr1:235,791,777, T>C on the plus strand (A>G on the coding strand, the complement: LYST is on the minus strand). VCF-style: chr1-235791777-T-C. GRCh37 (hg19) VCF-style: chr1-235955077-T-C.
Other names: c.4465A>G, p.Ser1489Gly (NM_001301365.1); short protein forms S1489G.
Identifiers: ClinVar variation 4746557 (VCV004746557.1).
Genomic context (GRCh38, chr1:235,791,777, plus strand): 5'-TATCTGGTAAAATTAATGATTTGTTTCTTTTCTTTATCTTCTTTCCTTTTTCTGTAGTAC[T>C]CTCAGCTTCATGGATACACTCCACATTAAACCACAGGGAAACACTGAAACCTTCTGATAG-3'
Protein context (NP_000072.2, residues 1479-1499): FNVECIHEAE[Ser1489Gly]TTEKGKKIKK